The following is an entry in ClinVar:

ClinVar aggregate classification (germline): Uncertain significance (1 of 4 stars; one submission).

Conditions:
Malignant hyperthermia, susceptibility to, 5 (MHS5). Also called: CACNA1S-Related Malignant Hyperthermia Susceptibility. Identifiers: Orphanet 423, MedGen C1866077, MONDO:0011163, OMIM 601887.

Submission:

All of Us Research Program, National Institutes of Health
Classification: Uncertain significance for Malignant hyperthermia, susceptibility to, 5. Last evaluated: 2023-08-15. Review status: criteria provided, single submitter. Criteria: ACMG Guidelines, 2015. Collection method: clinical testing. Allele origin: germline. Inheritance: Autosomal dominant inheritance. Observed: 1 variant allele, 1 heterozygote.
Comment: This missense variant replaces glycine with valine at codon 1734 of the CACNA1S protein. Computational prediction suggests that this variant may not impact protein structure and function (internally defined REVEL score threshold <= 0.5, PMID: 27666373). To our knowledge, functional studies have not been reported for this variant. This variant has not been reported in individuals affected with CACNA1S-related disorders in the literature. This variant has not been identified in the general population by the Genome Aggregation Database (gnomAD). The available evidence is insufficient to determine the role of this variant in disease conclusively. Therefore, this variant is classified as a Variant of Uncertain Significance.

This study involves interpretation of variants in research participants for the purpose of population health screening. Participant phenotype was not available at the time of variant classification. Additional details can be found in publication PMID: 35346344, PMCID: PMC8962531

NM_000069.3(CACNA1S):c.5201G>T (p.Gly1734Val)

Gene: CACNA1S (calcium voltage-gated channel subunit alpha1 S; minus strand). Cytogenetic location: 1q32.1.
Variant type: single nucleotide variant.
Coding change: c.5201G>T on transcript NM_000069.3 (MANE Select); coding-DNA position 5201, G replaced by T.
Protein change: p.Gly1734Val; replaces glycine 1734 with valine.
Molecular consequence: missense variant.
Genome position (GRCh38, 1-based): chr1:201,040,647, C>A on the plus strand (G>T on the coding strand, the complement: CACNA1S is on the minus strand). VCF-style: chr1-201040647-C-A. GRCh37 (hg19) VCF-style: chr1-201009775-C-A.
Other names: short protein forms G1734V.
Identifiers: ClinVar variation 3072882 (VCV003072882.1), dbSNP rs907795458, ClinGen allele CA35989912.